The following is an entry in ClinVar:

NM_052947.4(ALPK2):c.6170C>T (p.Ala2057Val)

Gene: ALPK2 (alpha kinase 2; minus strand). Cytogenetic location: 18q21.31.
Variant type: single nucleotide variant.
Coding change: c.6170C>T on transcript NM_052947.4 (MANE Select); coding-DNA position 6170, C replaced by T.
Protein change: p.Ala2057Val; replaces alanine 2057 with valine.
Molecular consequence: missense variant.
Genome position (GRCh38, 1-based): chr18:58,504,008, G>A on the plus strand (C>T on the coding strand, the complement: ALPK2 is on the minus strand). VCF-style: chr18-58504008-G-A. GRCh37 (hg19) VCF-style: chr18-56171240-G-A.
Other names: short protein forms A2057V.
Identifiers: ClinVar variation 1752006 (VCV001752006.2), dbSNP rs2051447235, ClinGen allele CA402543514.

ClinVar aggregate classification (germline): Uncertain significance (1 of 4 stars; one submission).

Allele frequency attached by ClinVar (database versions not stated): TOPMed below 0.00001.

Submission:

Ambry Genetics
Classification: Uncertain significance. Last evaluated: 2022-10-21. Review status: criteria provided, single submitter. Criteria: Ambry Variant Classification Scheme 2023. Collection method: clinical testing. Allele origin: germline.
Comment: The p.A2057V variant (also known as c.6170C>T), located in coding exon 10 of the ALPK2 gene, results from a C to T substitution at nucleotide position 6170. The alanine at codon 2057 is replaced by valine, an amino acid with similar properties. This amino acid position is conserved. In addition, this alteration is predicted to be tolerated by in silico analysis. Since supporting evidence is limited at this time, the clinical significance of this alteration remains unclear.